The following is an entry in ClinVar:

NM_000169.3(GLA):c.491T>G (p.Val164Gly)

Genes: GLA (galactosidase alpha; minus strand), RPL36A-HNRNPH2 (RPL36A-HNRNPH2 readthrough; plus strand). Cytogenetic location: Xq22.1.
Variant type: single nucleotide variant.
Coding change: c.491T>G on transcript NM_000169.3 (MANE Select); coding-DNA position 491, T replaced by G.
Protein change: p.Val164Gly; replaces valine 164 with glycine.
Molecular consequence: missense variant. On other transcripts: non-coding transcript variant (3), intron variant (2).
Genome position (GRCh38, 1-based): chrX:101,401,688, A>C on the plus strand (T>G on the coding strand, the complement: GLA is on the minus strand). VCF-style: chrX-101401688-A-C. GRCh37 (hg19) VCF-style: chrX-100656676-A-C.
Other names: c.614T>G, p.Val205Gly (NM_001406747.1, NM_001406749.1); c.491T>G, p.Val164Gly (NM_001406748.1); c.300+6231A>C (NM_001199973.2); c.177+9866A>C (NM_001199974.2); short protein forms V164G, V205G.
Identifiers: ClinVar variation 4087389 (VCV004087389.2).

ClinVar aggregate classification (germline): Pathogenic (1 of 4 stars; one submission).

Conditions:
Fabry disease. Also called: ALPHA-GALACTOSIDASE A DEFICIENCY; ANDERSON-FABRY DISEASE; CERAMIDE TRIHEXOSIDASE DEFICIENCY; GLA DEFICIENCY; HEREDITARY DYSTOPIC LIPIDOSIS; Angiokeratoma corporis diffusum. Identifiers: Orphanet 324, MedGen C0002986, MONDO:0010526, OMIM 301500, HP:0001071. Disease mechanism: Fabry disease is due to inactivating mutations in the X-linked GLA gene resulting in deficiency of the enzyme Alpha Galactosidase-A., loss of function.

Submission:

Genomenon, Inc
Classification: Pathogenic for Fabry disease. Last evaluated: 2026-09-08. Review status: criteria provided, single submitter. Criteria: Genomenon Sequence Variant Interpretation Standards - Updated. Collection method: curation. Allele origin: germline. Affected: yes.
Comment: GLA p.Val164Gly (c.491T>G) is a missense variant that changes the amino acid at codon 164 from Valine to Glycine. This variant has been observed in at least one proband with clinical features consistent with Fabry disease (PMID:28682471). At least one functional study has demonstrated a substantial alteration in protein function relative to the wild-type (PMID:32023956;26415523;27657681). This variant is located in a mutational hotspot and/or important functional domain. It is absent or not present at a significant frequency in gnomAD. In silico models predict that this variant is possibly or probably damaging. In conclusion, we classify GLA p.Val164Gly (c.491T>G) as a pathogenic variant.

Literature cited by the submitters: PubMed 28682471; PubMed 32023956; PubMed 26415523; PubMed 27657681.